The following is an entry in ClinVar:

ClinVar aggregate classification (germline): Benign/Likely benign. Review status: criteria provided, multiple submitters, no conflicts (2 of 4 stars). 2 submissions from 2 submitters: Benign (1); Likely benign (1). Last evaluated 2026-09-05.

Conditions:
Familial cancer of breast. Also called: hereditary breast carcinoma; BREAST CANCER, FAMILIAL; Hereditary breast cancer. Identifiers: Orphanet 227535, MedGen C0346153, MONDO:0016419, OMIM 114480. Disease mechanism: loss of function.
Hereditary cancer-predisposing syndrome. Also called: Tumor predisposition; Hereditary Cancer Syndrome; Hereditary neoplastic syndrome; Neoplastic Syndromes, Hereditary. Identifiers: Orphanet 140162, MedGen C0027672, MeSH D009386, MONDO:0015356.

Submissions (2):

Ambry Genetics
Classification: Likely benign for Hereditary cancer-predisposing syndrome. Last evaluated: 2026-09-05. Review status: criteria provided, single submitter. Criteria: Ambry Variant Classification Scheme 2023. Collection method: clinical testing. Allele origin: germline.

Myriad Genetics, Inc.
Classification: Benign for Familial cancer of breast. Last evaluated: 2024-06-10. Review status: criteria provided, single submitter. Criteria: Myriad Autosomal Dominant, Autosomal Recessive and X-Linked Classification Criteria (2023). Collection method: clinical testing. Allele origin: unknown.
Comment: This variant is considered benign. This variant is a silent/synonymous amino acid change and it is not expected to impact splicing.

NM_000051.4(ATM):c.6696G>A (p.Glu2232=)

Genes: ATM (ATM serine/threonine kinase; plus strand), C11orf65 (chromosome 11 open reading frame 65; minus strand). Cytogenetic location: 11q22.3.
Variant type: single nucleotide variant.
Coding change: c.6696G>A on transcript NM_000051.4 (MANE Select); coding-DNA position 6696, G replaced by A.
Protein change: p.Glu2232=; no amino-acid change (glutamic acid 2232 retained).
Molecular consequence: synonymous variant. On other transcripts: intron variant (2).
Genome position (GRCh38, 1-based): chr11:108,325,433, G>A. VCF-style: chr11-108325433-G-A. GRCh37 (hg19) VCF-style: chr11-108196160-G-A.
Other names: c.6696G>A, p.Glu2232= (NM_001351834.2); c.641-16362C>T (NM_001330368.2); c.*38+9787C>T (NM_001351110.2).
Identifiers: ClinVar variation 3253896 (VCV003253896.2), dbSNP rs1591129223.